The following is an entry in ClinVar:

ClinVar aggregate classification (germline): Uncertain significance (1 of 4 stars; one submission).

Allele frequency attached by ClinVar (database versions not stated): gnomAD exomes below 0.00001.
gnomAD v4.1: 2 of 1,613,940 alleles (0.00012%); highest among the groups gnomAD compares: Non-Finnish European, 0.000085%; no homozygotes.

Submission:

Labcorp Genetics (formerly Invitae), Labcorp
Classification: Uncertain significance. Last evaluated: 2023-11-15. Review status: criteria provided, single submitter. Criteria: Invitae Variant Classification Sherloc (09022015). Collection method: clinical testing. Allele origin: germline.
Comment: This sequence change falls in intron 39 of the COL11A1 gene. It does not directly change the encoded amino acid sequence of the COL11A1 protein. It affects a nucleotide within the consensus splice site. This variant is present in population databases (no rsID available, gnomAD 0.0009%). This variant has not been reported in the literature in individuals affected with COL11A1-related conditions. Variants that disrupt the consensus splice site are a relatively common cause of aberrant splicing (PMID: 17576681, 9536098). Algorithms developed to predict the effect of sequence changes on RNA splicing suggest that this variant is not likely to affect RNA splicing. In summary, the available evidence is currently insufficient to determine the role of this variant in disease. Therefore, it has been classified as a Variant of Uncertain Significance.

Literature cited by the submitters: PubMed 17576681; PubMed 9536098.

NM_001854.4(COL11A1):c.3024+4C>A

Gene: COL11A1 (collagen type XI alpha 1 chain; minus strand). Cytogenetic location: 1p21.1.
Variant type: single nucleotide variant.
Coding change: c.3024+4C>A on transcript NM_001854.4 (MANE Select); 4 bases into the intron after coding-DNA position 3024, C replaced by A.
Molecular consequence: intron variant.
Genome position (GRCh38, 1-based): chr1:102,962,649, G>T on the plus strand (C>A on the coding strand, the complement: COL11A1 is on the minus strand). VCF-style: chr1-102962649-G-T. GRCh37 (hg19) VCF-style: chr1-103428205-G-T.
Other names: c.2907+4C>A (NM_001190709.2); c.3060+4C>A (NM_080629.3); c.2676+4C>A (NM_080630.4).
Identifiers: ClinVar variation 2769101 (VCV002769101.3), dbSNP rs1400970267, ClinGen allele CA524896507.